The following is an entry in ClinVar:

ClinVar aggregate classification (germline): Likely benign. Review status: criteria provided, multiple submitters, no conflicts (2 of 4 stars). 7 submissions from 7 submitters: Likely benign (6). 1 of the submissions does not count toward it. Last evaluated 2026-07-01.

Conditions:
LRRK2-related disorder. Also called: LRRK2-related condition.
Inborn genetic diseases. Identifiers: MedGen C0950123, MeSH D030342.
Autosomal dominant Parkinson disease 8. Also called: Parkinson disease 8, susceptibility to; LRRK2-Related Parkinson Disease; Parkinson disease 8. Identifiers: Orphanet 411602, MedGen C1846862, MONDO:0011764, OMIM 607060.

Allele frequency attached by ClinVar (database versions not stated): gnomAD exomes 0.00027; ExAC 0.00031; TOPMed 0.00032; gnomAD 0.00046 and 0.00047.
gnomAD v4.1: 458 of 1,612,886 alleles (0.028%); highest among the groups gnomAD compares: Non-Finnish European, 0.036%; no homozygotes.

Submissions (7):

CeGaT Center for Human Genetics Tuebingen
Classification: Likely benign. Last evaluated: 2026-07-01. Review status: criteria provided, single submitter. Criteria: CeGaT Center For Human Genetics Tuebingen Variant Classification Criteria Version 2. Collection method: clinical testing. Allele origin: germline. Affected: yes. Observed: 4 variant alleles.
Comment: LRRK2: BP4

Labcorp Genetics (formerly Invitae), Labcorp
Classification: Likely benign for Autosomal dominant Parkinson disease 8. Last evaluated: 2026-02-01. Review status: criteria provided, single submitter. Criteria: Invitae Variant Classification Sherloc (09022015). Collection method: clinical testing. Allele origin: germline.

Blueprint Genetics
Classification: Likely benign. Last evaluated: 2024-10-17. Review status: criteria provided, single submitter. Criteria: ACMG Guidelines, 2015. Collection method: clinical testing. Allele origin: germline.

Ambry Genetics
Classification: Likely benign for Inborn genetic diseases. Last evaluated: 2022-02-12. Review status: criteria provided, single submitter. Criteria: Ambry Variant Classification Scheme 2023. Collection method: clinical testing. Allele origin: germline.

Fulgent Genetics
Classification: Likely benign for Autosomal dominant Parkinson disease 8. Last evaluated: 2021-10-07. Review status: criteria provided, single submitter. Criteria: ACMG Guidelines, 2015. Collection method: clinical testing. Allele origin: unknown.

Illumina Laboratory Services, Illumina
Classification: Likely benign for Autosomal dominant Parkinson disease 8. Last evaluated: 2017-04-27. Review status: criteria provided, single submitter. Criteria: ICSL Variant Classification Criteria 13 December 2019. Collection method: clinical testing. Allele origin: germline.
Comment: This variant was observed as part of a predisposition screen in an ostensibly healthy population. A literature search was performed for the gene, cDNA change, and amino acid change (where applicable). Publications were found based on this search. The evidence from the literature, in combination with allele frequency data from public databases where available, was sufficient to determine this variant is unlikely to cause disease. Therefore, this variant is classified as likely benign.

PreventionGenetics, part of Exact Sciences
Classification: Likely benign for LRRK2-related condition. Last evaluated: 2019-04-05. Review status: no assertion criteria provided. Collection method: clinical testing. Allele origin: germline. Not counted in ClinVar's aggregate classification.
Comment: This variant is classified as likely benign based on ACMG/AMP sequence variant interpretation guidelines (Richards et al. 2015 PMID: 25741868, with internal and published modifications).

Literature cited by the submitters: PubMed 21885347 (cited by Illumina Laboratory Services, Illumina); PubMed 16172858 (cited by Illumina Laboratory Services, Illumina).

NM_198578.4(LRRK2):c.1383T>C (p.Ser461=)

Gene: LRRK2 (leucine rich repeat kinase 2; plus strand). Cytogenetic location: 12q12.
Variant type: single nucleotide variant.
Coding change: c.1383T>C on transcript NM_198578.4 (MANE Select); coding-DNA position 1383, T replaced by C.
Protein change: p.Ser461=; no amino-acid change (serine 461 retained).
Molecular consequence: synonymous variant.
Genome position (GRCh38, 1-based): chr12:40,257,342, T>C. VCF-style: chr12-40257342-T-C. GRCh37 (hg19) VCF-style: chr12-40651144-T-C.
Identifiers: ClinVar variation 695715 (VCV000695715.54), dbSNP rs35847451, ClinGen allele CA6513356.